The following is an entry in ClinVar:

NM_001042492.3(NF1):c.253_261del (p.Ile85_Leu87del)

Gene: NF1 (neurofibromin 1; plus strand). Cytogenetic location: 17q11.2.
Variant type: Deletion.
Coding change: c.253_261del on transcript NM_001042492.3 (MANE Select); coding-DNA positions 253 to 261, 9 bases deleted (ATTATATTG; older notation c.253_261delATTATATTG).
Protein change: p.Ile85_Leu87del.
Molecular consequence: inframe deletion. On other transcripts: inframe indel (1).
Genome position (GRCh38, 1-based): chr17:31,159,058-31,159,066, ATTATATTG deleted; deleting any 9 consecutive bases within chr17:31,159,055-31,159,066 gives the same sequence; the c. name uses the placement nearest the transcript's 3' end. VCF-style (leftmost placement, unchanged base first): chr17-31159054-GTTGATTATA-G. GRCh37 (hg19) VCF-style: chr17-29486072-GTTGATTATA-G.
Other names: c.253_261delATTATATTG, p.Ile85_Leu87del (NM_000267.4); c.253_261del, p.Ile85_Leu87del (NM_001128147.3).
Identifiers: ClinVar variation 956891 (VCV000956891.6), dbSNP rs2065717507, ClinGen allele CA1139665351.

ClinVar aggregate classification (germline): Uncertain significance (1 of 4 stars; one submission).

Conditions:
Neurofibromatosis, type 1 (NF1). Also called: Peripheral type neurofibromatosis; VON RECKLINGHAUSEN DISEASE; NEUROFIBROMATOSIS, TYPE I, SOMATIC; Neurofibromatosis, type I. Identifiers: Orphanet 636, MedGen C0027831, MONDO:0018975, OMIM 162200. Disease mechanism: loss of function.

Submission:

Labcorp Genetics (formerly Invitae), Labcorp
Classification: Uncertain significance for Neurofibromatosis, type 1. Last evaluated: 2019-07-04. Review status: criteria provided, single submitter. Criteria: Invitae Variant Classification Sherloc (09022015). Collection method: clinical testing. Allele origin: germline.
Comment: This variant, c.253_261del, results in the deletion of 3 amino acid(s) of the NF1 protein (p.Ile85_Leu87del), but otherwise preserves the integrity of the reading frame. This variant is not present in population databases (ExAC no frequency). This variant has not been reported in the literature in individuals with NF1-related conditions. Experimental studies and prediction algorithms are not available or were not evaluated for this variant, and the functional significance of the affected amino acid(s) is currently unknown. In summary, the available evidence is currently insufficient to determine the role of this variant in disease. Therefore, it has been classified as a Variant of Uncertain Significance.